The following is an entry in ClinVar:

NM_001100913.3(PACS2):c.1781-6A>T

Gene: PACS2 (phosphofurin acidic cluster sorting protein 2; plus strand). Cytogenetic location: 14q32.33.
Variant type: single nucleotide variant.
Coding change: c.1781-6A>T on transcript NM_001100913.3 (MANE Select); 6 bases into the intron before coding-DNA position 1781, A replaced by T.
Molecular consequence: intron variant.
Genome position (GRCh38, 1-based): chr14:105,384,347, A>T. VCF-style: chr14-105384347-A-T. GRCh37 (hg19) VCF-style: chr14-105850684-A-T.
Other names: c.1544-6A>T (NM_001243127.3); c.1769-6A>T (NM_015197.4).
Identifiers: ClinVar variation 2837498 (VCV002837498.3), dbSNP rs782626798, ClinGen allele CA7389001.

ClinVar aggregate classification (germline): Uncertain significance (1 of 4 stars; one submission).

Allele frequency attached by ClinVar (database versions not stated): gnomAD exomes below 0.00001; ExAC 0.00004.
gnomAD v4.1: 8 of 1,577,912 alleles (0.00051%); highest among the groups gnomAD compares: Non-Finnish European, 0.00026%; no homozygotes.

Submission:

Labcorp Genetics (formerly Invitae), Labcorp
Classification: Uncertain significance. Last evaluated: 2023-02-14. Review status: criteria provided, single submitter. Criteria: Invitae Variant Classification Sherloc (09022015). Collection method: clinical testing. Allele origin: germline.
Comment: This sequence change falls in intron 16 of the PACS2 gene. It does not directly change the encoded amino acid sequence of the PACS2 protein. This variant is present in population databases (rs782626798, gnomAD 0.004%). This variant has not been reported in the literature in individuals affected with PACS2-related conditions. Algorithms developed to predict the effect of sequence changes on RNA splicing suggest that this variant may disrupt the consensus splice site. In summary, the available evidence is currently insufficient to determine the role of this variant in disease. Therefore, it has been classified as a Variant of Uncertain Significance.